The following is an entry in ClinVar:

NM_206933.4(USH2A):c.13732A>C (p.Lys4578Gln)

Gene: USH2A (usherin; minus strand). Cytogenetic location: 1q41.
Variant type: single nucleotide variant.
Coding change: c.13732A>C on transcript NM_206933.4 (MANE Select); coding-DNA position 13732, A replaced by C.
Protein change: p.Lys4578Gln; replaces lysine 4578 with glutamine.
Molecular consequence: missense variant.
Genome position (GRCh38, 1-based): chr1:215,674,179, T>G on the plus strand (A>C on the coding strand, the complement: USH2A is on the minus strand). VCF-style: chr1-215674179-T-G. GRCh37 (hg19) VCF-style: chr1-215847521-T-G.
Other names: short protein forms K4578Q.
Identifiers: ClinVar variation 1043197 (VCV001043197.8), dbSNP rs765354805, ClinGen allele CA344843631.

ClinVar aggregate classification (germline): Uncertain significance (1 of 4 stars; one submission).

Submission:

Labcorp Genetics (formerly Invitae), Labcorp
Classification: Uncertain significance. Last evaluated: 2025-03-17. Review status: criteria provided, single submitter. Criteria: Invitae Variant Classification Sherloc (09022015). Collection method: clinical testing. Allele origin: germline.
Comment: This sequence change replaces lysine, which is basic and polar, with glutamine, which is neutral and polar, at codon 4578 of the USH2A protein (p.Lys4578Gln). This variant is not present in population databases (gnomAD no frequency). This variant has not been reported in the literature in individuals affected with USH2A-related conditions. ClinVar contains an entry for this variant (Variation ID: 1043197). Invitae Evidence Modeling of protein sequence and biophysical properties (such as structural, functional, and spatial information, amino acid conservation, physicochemical variation, residue mobility, and thermodynamic stability) indicates that this missense variant is not expected to disrupt USH2A protein function with a negative predictive value of 95%. In summary, the available evidence is currently insufficient to determine the role of this variant in disease. Therefore, it has been classified as a Variant of Uncertain Significance.